The following is an entry in ClinVar:

NM_012268.4(PLD3):c.79G>A (p.Glu27Lys)

Gene: PLD3 (phospholipase D family member 3; plus strand). Cytogenetic location: 19q13.2.
Variant type: single nucleotide variant.
Coding change: c.79G>A on transcript NM_012268.4 (MANE Select); coding-DNA position 79, G replaced by A.
Protein change: p.Glu27Lys; replaces glutamic acid 27 with lysine.
Molecular consequence: missense variant.
Genome position (GRCh38, 1-based): chr19:40,366,661, G>A. VCF-style: chr19-40366661-G-A. GRCh37 (hg19) VCF-style: chr19-40872568-G-A.
Other names: p.Glu27Lys; c.79G>A, p.Glu27Lys (NM_001031696.4, NM_001291311.2); short protein forms E27K.
Identifiers: ClinVar variation 2683500 (VCV002683500.1), dbSNP rs2514746569, ClinGen allele CA405867319.
Genomic context (GRCh38, chr19:40,366,661, plus strand): 5'-CATCCCCAGCTGAAGGTGCCTGCAGAGGAGCCCGCCAATGAGCTGCCCATGAATGAGATT[G>A]AGGCGTGGAAGGCTGCGGAAAAGGTAGGAGCCCTCCGCCACCCTCGCTCTGTCTCAGAGA-3'
Protein context (NP_036400.2, residues 17-37): PANELPMNEI[Glu27Lys]AWKAAEKKAR

ClinVar aggregate classification (germline): Uncertain significance (1 of 4 stars; one submission).

Submission:

Mayo Clinic Laboratories, Mayo Clinic
Classification: Uncertain significance. Last evaluated: 2023-02-27. Review status: criteria provided, single submitter. Criteria: ACMG Guidelines, 2015. Collection method: clinical testing. Allele origin: germline. Observed: 1 variant allele.
Comment: BP4, PM2